The following is an entry in ClinVar:

ClinVar aggregate classification (germline): Benign/Likely benign. Review status: criteria provided, multiple submitters, no conflicts (2 of 4 stars). 3 submissions from 3 submitters: Benign (1); Likely benign (2). Last evaluated 2024-12-16.

Conditions:
Lynch syndrome 5 (LYNCH5). Also called: Hereditary non-polyposis colorectal cancer, type 5; Colorectal cancer, hereditary nonpolyposis, type 5. Identifiers: Orphanet 144, MedGen C1833477, MONDO:0013710, OMIM 614350. Disease mechanism: loss of function.
Hereditary cancer-predisposing syndrome. Also called: Tumor predisposition; Neoplastic Syndromes, Hereditary; Hereditary neoplastic syndrome; Hereditary Cancer Syndrome. Identifiers: Orphanet 140162, MedGen C0027672, MeSH D009386, MONDO:0015356.

Submissions (3):

Myriad Genetics, Inc.
Classification: Benign for Lynch syndrome 5. Last evaluated: 2024-12-16. Review status: criteria provided, single submitter. Criteria: Myriad Autosomal Dominant, Autosomal Recessive and X-Linked Classification Criteria (2023). Collection method: clinical testing. Allele origin: unknown.
Comment: This variant is considered benign. This variant is a silent/synonymous amino acid change and it is not expected to impact splicing.

Ambry Genetics
Classification: Likely benign for Hereditary cancer-predisposing syndrome. Last evaluated: 2023-10-06. Review status: criteria provided, single submitter. Criteria: Ambry Variant Classification Scheme 2023. Collection method: clinical testing. Allele origin: germline.

Color Diagnostics, LLC DBA Color Health
Classification: Likely benign for Hereditary cancer-predisposing syndrome. Last evaluated: 2017-12-05. Review status: criteria provided, single submitter. Criteria: ACMG Guidelines, 2015. Collection method: clinical testing. Allele origin: germline.

NM_000179.3(MSH6):c.12G>A (p.Gln4=)

Gene: MSH6 (mutS homolog 6; plus strand). Cytogenetic location: 2p16.3.
Variant type: single nucleotide variant.
Coding change: c.12G>A on transcript NM_000179.3 (MANE Select); coding-DNA position 12, G replaced by A.
Protein change: p.Gln4=; no amino-acid change (glutamine 4 retained).
Molecular consequence: synonymous variant. On other transcripts: 5 prime UTR variant (1).
Genome position (GRCh38, 1-based): chr2:47,783,245, G>A. VCF-style: chr2-47783245-G-A. GRCh37 (hg19) VCF-style: chr2-48010384-G-A.
Other names: c.12G>A, p.Gln4= (NM_001281492.2); c.-725G>A (NM_001281493.2).
Identifiers: ClinVar variation 630936 (VCV000630936.4), dbSNP rs1558644700, ClinGen allele CA425986793.